The following is an entry in ClinVar:

ClinVar aggregate classification (germline): Benign/Likely benign. Review status: criteria provided, multiple submitters, no conflicts (2 of 4 stars). 10 submissions from 10 submitters: Benign (7); Likely benign (2). 1 of the submissions does not count toward it. Last evaluated 2026-02-04.

Conditions:
Charcot-Marie-Tooth disease type 4. Also called: Charcot-Marie-Tooth disease, type IV; Charcot-Marie-Tooth, Type 4. Identifiers: Orphanet 64749, MedGen C4082197, MONDO:0018995.
Charcot-Marie-Tooth disease. Also called: Charcot-Marie-Tooth Hereditary Neuropathy; Charcot-Marie-Tooth Neuropathy. Identifiers: Orphanet 166, MedGen C0007959, MONDO:0015626.
Charcot-Marie-Tooth disease type 4B2. Also called: CHARCOT-MARIE-TOOTH DISEASE, DEMYELINATING, TYPE 4B2; CHARCOT-MARIE-TOOTH DISEASE, WITH FOCALLY FOLDED MYELIN SHEATHS, AUTOSOMAL RECESSIVE, TYPE 4B2; Charcot-Marie-Tooth Neuropathy Type 4B2; CMT 4B2. Identifiers: Orphanet 99956, MedGen C1858278, MONDO:0011475, OMIM 604563.

Allele frequency attached by ClinVar (database versions not stated): 1000 Genomes Project 0.00859; 1000 Genomes Project 30x 0.00874; TOPMed 0.01691; ESP Exome Variant Server 0.02125.
gnomAD v4.1: 35,748 of 1,614,040 alleles (2.2%); highest among the groups gnomAD compares: Middle Eastern, 2.8%; 476 homozygotes.

Submissions (10):

Labcorp Genetics (formerly Invitae), Labcorp
Classification: Benign for Charcot-Marie-Tooth disease type 4. Last evaluated: 2026-02-04. Review status: criteria provided, single submitter. Criteria: Invitae Variant Classification Sherloc (09022015). Collection method: clinical testing. Allele origin: germline.

Athena Diagnostics
Classification: Benign. Last evaluated: 2025-11-04. Review status: criteria provided, single submitter. Criteria: Athena Diagnostics Criteria. Collection method: clinical testing. Allele origin: unknown.
Comment: The frequency of this variant in the general population is higher than would generally be expected for pathogenic variants in this gene.

ARUP Laboratories, Molecular Genetics and Genomics, ARUP Laboratories
Classification: Benign for Charcot-Marie-Tooth disease type 4B2. Last evaluated: 2023-11-29. Review status: criteria provided, single submitter. Criteria: ARUP Molecular Germline Variant Investigation Process 2024. Collection method: clinical testing. Allele origin: germline.

Illumina Laboratory Services, Illumina
Classification: Benign for Charcot-Marie-Tooth disease type 4B2. Last evaluated: 2018-01-13. Review status: criteria provided, single submitter. Criteria: ICSL Variant Classification Criteria 13 December 2019. Collection method: clinical testing. Allele origin: germline.
Comment: This variant was observed in the ICSL laboratory as part of a predisposition screen in an ostensibly healthy population. It had not been previously curated by ICSL or reported in the Human Gene Mutation Database (HGMD: prior to June 1st, 2018), and was therefore a candidate for classification through an automated scoring system. Utilizing variant allele frequency, disease prevalence and penetrance estimates, and inheritance mode, an automated score was calculated to assess if this variant is too frequent to cause the disease. Based on the score and internal cut-off values, a variant classified as benign is not then subjected to further curation. The score for this variant resulted in a classification of benign for this disease.

Mayo Clinic Laboratories, Mayo Clinic
Classification: Benign. Last evaluated: 2016-04-13. Review status: criteria provided, single submitter. Criteria: ACMG Guidelines, 2015. Collection method: clinical testing. Allele origin: germline. Observed: 95 variant alleles.

Genome Diagnostics Laboratory, University Medical Center Utrecht
Classification: Likely benign for Charcot-Marie-Tooth disease type 4B2. Last evaluated: 2014-10-09. Review status: criteria provided, single submitter. Criteria: ACGS Guidelines, 2013. Collection method: clinical testing. Allele origin: germline. Affected: yes. Study: VKGL Data-share Consensus.

GeneDx
Classification: Benign. Last evaluated: 2014-05-12. Review status: criteria provided, single submitter. Criteria: GeneDx Variant Classification (06012015). Collection method: clinical testing. Allele origin: germline. Affected: yes.
Comment: This variant is considered likely benign or benign based on one or more of the following criteria: it is a conservative change, it occurs at a poorly conserved position in the protein, it is predicted to be benign by multiple in silico algorithms, and/or has population frequency not consistent with disease.

Breakthrough Genomics
Classification: Likely benign. Review status: criteria provided, single submitter. Criteria: ACMG Guidelines, 2015. Collection method: not provided. Allele origin: germline. Inheritance: Autosomal recessive inheritance. Affected: yes.

Molecular Genetics Laboratory, London Health Sciences Centre
Classification: Benign for Charcot-Marie-Tooth disease. Review status: criteria provided, single submitter. Criteria: ACMG Guidelines, 2015. Collection method: clinical testing. Allele origin: germline. Affected: yes.

Clinical Genetics, Academic Medical Center
Classification: Benign. Review status: no assertion criteria provided. Collection method: clinical testing. Allele origin: germline. Affected: yes. Study: VKGL Data-share Consensus. Not counted in ClinVar's aggregate classification.

Literature cited by the submitters: PubMed 32700628 (cited by Athena Diagnostics); PubMed 27732968 (cited by Athena Diagnostics); PubMed 34481421 (cited by Athena Diagnostics); PubMed 34986146 (cited by Athena Diagnostics); PubMed 30794985 (cited by Athena Diagnostics); PubMed 28379183 (cited by Athena Diagnostics).

NM_030962.4(SBF2):c.3292C>G (p.Leu1098Val)

Genes: SBF2 (SET binding factor 2; minus strand), LOC101928008 (uncharacterized LOC101928008; plus strand). Cytogenetic location: 11p15.4.
Variant type: single nucleotide variant.
Coding change: c.3292C>G on transcript NM_030962.4 (MANE Select); coding-DNA position 3292, C replaced by G.
Protein change: p.Leu1098Val; replaces leucine 1098 with valine.
Molecular consequence: missense variant.
Genome position (GRCh38, 1-based): chr11:9,839,661, G>C on the plus strand (C>G on the coding strand, the complement: SBF2 is on the minus strand). VCF-style: chr11-9839661-G-C. GRCh37 (hg19) VCF-style: chr11-9861208-G-C.
Other names: p.L1098V:CTG>GTG; c.3292C>G, p.Leu1098Val (NM_001386339.1); c.3163C>G, p.Leu1055Val (NM_001386342.1); short protein forms L1098V, L1055V.
Identifiers: ClinVar variation 138964 (VCV000138964.33), dbSNP rs117957652, ClinGen allele CA293144.